The following is an entry in ClinVar:

NM_005559.4(LAMA1):c.2856C>G (p.Asn952Lys)

Gene: LAMA1 (laminin subunit alpha 1; minus strand). Cytogenetic location: 18p11.31.
Variant type: single nucleotide variant.
Coding change: c.2856C>G on transcript NM_005559.4 (MANE Select); coding-DNA position 2856, C replaced by G.
Protein change: p.Asn952Lys; replaces asparagine 952 with lysine.
Molecular consequence: missense variant.
Genome position (GRCh38, 1-based): chr18:7,016,624, G>C on the plus strand (C>G on the coding strand, the complement: LAMA1 is on the minus strand). VCF-style: chr18-7016624-G-C. GRCh37 (hg19) VCF-style: chr18-7016623-G-C.
Other names: short protein forms N952K.
Identifiers: ClinVar variation 1032332 (VCV001032332.2), dbSNP rs576734629, ClinGen allele CA8882481.

ClinVar aggregate classification (germline): Uncertain significance. Review status: criteria provided, multiple submitters, no conflicts (2 of 4 stars). 2 submissions from 2 submitters: Uncertain significance (2). Last evaluated 2023-10-20.

Conditions:
Inborn genetic diseases. Identifiers: MedGen C0950123, MeSH D030342.
Ataxia - intellectual disability - oculomotor apraxia - cerebellar cysts syndrome. Also called: Poretti-Boltshauser syndrome. Identifiers: Orphanet 370022, MedGen C4014821, MONDO:0014419, OMIM 615960.

Allele frequency attached by ClinVar (database versions not stated): gnomAD 0.00001; gnomAD exomes 0.00001 and 0.00003; TOPMed 0.00002; ExAC 0.00003; 1000 Genomes Project 30x 0.00016; 1000 Genomes Project 0.00020.
gnomAD v4.1: 5 of 1,614,096 alleles (0.00031%); highest among the groups gnomAD compares: East Asian, 0.011%; no homozygotes.

Submissions (2):

Ambry Genetics
Classification: Uncertain significance for Inborn genetic diseases. Last evaluated: 2023-10-20. Review status: criteria provided, single submitter. Criteria: Ambry Variant Classification Scheme 2023. Collection method: clinical testing. Allele origin: germline.

Baylor Genetics
Classification: Uncertain significance for Ataxia - intellectual disability - oculomotor apraxia - cerebellar cysts syndrome. Last evaluated: 2018-07-21. Review status: criteria provided, single submitter. Criteria: ACMG Guidelines, 2015. Collection method: clinical testing. Allele origin: unknown. Affected: yes.
Comment: This variant was determined to be of uncertain significance according to ACMG Guidelines, 2015 [PMID:25741868].